The following is an entry in ClinVar:

NM_001376.5(DYNC1H1):c.78C>T (p.Asp26=)

Gene: DYNC1H1 (dynein cytoplasmic 1 heavy chain 1; plus strand). Cytogenetic location: 14q32.31.
Variant type: single nucleotide variant.
Coding change: c.78C>T on transcript NM_001376.5 (MANE Select); coding-DNA position 78, C replaced by T.
Protein change: p.Asp26=; no amino-acid change (aspartic acid 26 retained).
Molecular consequence: synonymous variant.
Genome position (GRCh38, 1-based): chr14:101,964,769, C>T. VCF-style: chr14-101964769-C-T. GRCh37 (hg19) VCF-style: chr14-102431106-C-T.
Identifiers: ClinVar variation 472552 (VCV000472552.56), dbSNP rs760083766, ClinGen allele CA7351443.

ClinVar aggregate classification (germline): Likely benign. Review status: criteria provided, multiple submitters, no conflicts (2 of 4 stars). 4 submissions from 4 submitters: Likely benign (3). 1 of the submissions does not count toward it. Last evaluated 2025-09-23.

Conditions:
Inborn genetic diseases. Identifiers: MedGen C0950123, MeSH D030342.
DYNC1H1-related disorder. Also called: DYNC1H1-related condition; DYNC1H1-related disorders. Identifiers: MedGen CN381529.
Charcot-Marie-Tooth disease axonal type 2O. Also called: CHARCOT-MARIE-TOOTH NEUROPATHY, AXONAL, TYPE 2O; CHARCOT-MARIE-TOOTH DISEASE, AXONAL, AUTOSOMAL DOMINANT, TYPE 2O; Charcot-Marie-Tooth Neuropathy Type 2O; Charcot-Marie-Tooth disease, axonal, type 20. Identifiers: Orphanet 284232, MedGen C3280220, MONDO:0013644, OMIM 614228.

Allele frequency attached by ClinVar (database versions not stated): gnomAD exomes 0.00002 and 0.00003; ExAC 0.00003; TOPMed 0.00004; gnomAD 0.00006 and 0.00007; 1000 Genomes Project 30x 0.00031.
gnomAD v4.1: 43 of 1,599,848 alleles (0.0027%); highest among the groups gnomAD compares: Admixed American, 0.0068%; no homozygotes.

Submissions (4):

Labcorp Genetics (formerly Invitae), Labcorp
Classification: Likely benign for Charcot-Marie-Tooth disease axonal type 2O. Last evaluated: 2025-09-23. Review status: criteria provided, single submitter. Criteria: Invitae Variant Classification Sherloc (09022015). Collection method: clinical testing. Allele origin: germline.

Women's Health and Genetics/Laboratory Corporation of America, LabCorp
Classification: Likely benign. Last evaluated: 2025-09-04. Review status: criteria provided, single submitter. Criteria: LabCorp Variant Classification Summary - May 2015. Collection method: clinical testing. Allele origin: germline.

Ambry Genetics
Classification: Likely benign for Inborn genetic diseases. Last evaluated: 2016-08-04. Review status: criteria provided, single submitter. Criteria: Ambry Variant Classification Scheme 2023. Collection method: clinical testing. Allele origin: germline.

PreventionGenetics, part of Exact Sciences
Classification: Likely benign for DYNC1H1-related condition. Last evaluated: 2024-06-24. Review status: no assertion criteria provided. Collection method: clinical testing. Allele origin: germline. Not counted in ClinVar's aggregate classification.
Comment: This variant is classified as likely benign based on ACMG/AMP sequence variant interpretation guidelines (Richards et al. 2015 PMID: 25741868, with internal and published modifications).